The following is an entry in ClinVar:

ClinVar aggregate classification (germline): Conflicting classifications of pathogenicity. Review status: criteria provided, conflicting classifications (1 of 4 stars). 4 submissions from 4 submitters: Uncertain significance (1); Likely benign (3). Last evaluated 2026-01-04.

Conditions:
Alkaptonuria (AKU). Also called: Homogentisic acidura; Alkaptonuric ochronosis; HOMOGENTISIC ACID OXIDASE DEFICIENCY; Alcaptonuria. Identifiers: Orphanet 56, MedGen C0002066, MONDO:0008753, OMIM 203500.

Allele frequency attached by ClinVar (database versions not stated): gnomAD exomes 0.00033 and 0.00050; ExAC 0.00054; ESP Exome Variant Server 0.00085; gnomAD 0.00123 and 0.00124; TOPMed 0.00130; 1000 Genomes Project 0.00200; 1000 Genomes Project 30x 0.00203.

Submissions (4):

Labcorp Genetics (formerly Invitae), Labcorp
Classification: Likely benign for Alkaptonuria. Last evaluated: 2026-01-04. Review status: criteria provided, single submitter. Criteria: Invitae Variant Classification Sherloc (09022015). Collection method: clinical testing. Allele origin: germline.

Department of Pathology and Laboratory Medicine, Sinai Health System
Classification: Uncertain significance for Alkaptonuria. Last evaluated: 2021-11-23. Review status: criteria provided, single submitter. Criteria: ACMG Guidelines, 2015. Collection method: research. Allele origin: germline.

Illumina Laboratory Services, Illumina
Classification: Likely benign for Alkaptonuria. Last evaluated: 2018-01-12. Review status: criteria provided, single submitter. Criteria: ICSL Variant Classification Criteria 13 December 2019. Collection method: clinical testing. Allele origin: germline.
Comment: This variant was observed in the ICSL laboratory as part of a predisposition screen in an ostensibly healthy population. It had not been previously curated by ICSL or reported in the Human Gene Mutation Database (HGMD: prior to June 1st, 2018), and was therefore a candidate for classification through an automated scoring system. Utilizing variant allele frequency, disease prevalence and penetrance estimates, and inheritance mode, an automated score was calculated to assess if this variant is too frequent to cause the disease. Based on the score and internal cut-off values, a variant classified as likely benign is not then subjected to further curation. The score for this variant resulted in a classification of likely benign for this disease.

Breakthrough Genomics
Classification: Likely benign. Review status: criteria provided, single submitter. Criteria: ACMG Guidelines, 2015. Collection method: not provided. Allele origin: germline. Inheritance: Autosomal recessive inheritance. Affected: yes.

NM_000187.4(HGD):c.919C>T (p.Arg307Cys)

Gene: HGD (homogentisate 1,2-dioxygenase; minus strand). Cytogenetic location: 3q13.33.
Variant type: single nucleotide variant.
Coding change: c.919C>T on transcript NM_000187.4 (MANE Select); coding-DNA position 919, C replaced by T.
Protein change: p.Arg307Cys; replaces arginine 307 with cysteine.
Molecular consequence: missense variant.
Genome position (GRCh38, 1-based): chr3:120,638,542, G>A on the plus strand (C>T on the coding strand, the complement: HGD is on the minus strand). VCF-style: chr3-120638542-G-A. GRCh37 (hg19) VCF-style: chr3-120357389-G-A.
Other names: short protein forms R307C.
Identifiers: ClinVar variation 707988 (VCV000707988.16), dbSNP rs143556739, ClinGen allele CA2560016.